The following is an entry in ClinVar:

ClinVar aggregate classification (germline): Likely pathogenic (1 of 4 stars; one submission).

Submission:

GeneDx
Classification: Likely pathogenic. Last evaluated: 2018-05-01. Review status: criteria provided, single submitter. Criteria: GeneDx Variant Classification (06012015). Collection method: clinical testing. Allele origin: germline. Affected: yes.
Comment: The Q253X variant in the SLC6A5 gene has not been reported previously as a pathogenic variant nor as a benign variant, to our knowledge. This variant is predicted to cause loss of normal protein function either through protein truncation or nonsense-mediated mRNA decay. The Q253X variant is not observed in large population cohorts (Lek et al., 2016). We interpret Q253X as a likely pathogenic variant.

NM_004211.5(SLC6A5):c.757C>T (p.Gln253Ter)

Gene: SLC6A5 (solute carrier family 6 member 5; plus strand). Cytogenetic location: 11p15.1.
Variant type: single nucleotide variant.
Coding change: c.757C>T on transcript NM_004211.5 (MANE Select); coding-DNA position 757, C replaced by T.
Protein change: p.Gln253Ter; replaces glutamine 253 with a stop codon.
Molecular consequence: nonsense.
Genome position (GRCh38, 1-based): chr11:20,607,084, C>T. VCF-style: chr11-20607084-C-T. GRCh37 (hg19) VCF-style: chr11-20628630-C-T.
Other names: c.55C>T, p.Gln19Ter (NM_001318369.2); short protein forms Q253*, Q19*.
Identifiers: ClinVar variation 546015 (VCV000546015.2), dbSNP rs1555039090, ClinGen allele CA379913793.